The following is an entry in ClinVar:

ClinVar aggregate classification (germline): Uncertain significance (1 of 4 stars; one submission).

Allele frequency attached by ClinVar (database versions not stated): gnomAD exomes 0.00002; ExAC 0.00003; TOPMed 0.00005; gnomAD 0.00009; ESP Exome Variant Server 0.00015.
gnomAD v4.1: 38 of 1,614,070 alleles (0.0024%); highest among the groups gnomAD compares: African/African-American, 0.017%; no homozygotes.

Submission:

Labcorp Genetics (formerly Invitae), Labcorp
Classification: Uncertain significance. Last evaluated: 2022-07-21. Review status: criteria provided, single submitter. Criteria: Invitae Variant Classification Sherloc (09022015). Collection method: clinical testing. Allele origin: germline.
Comment: This sequence change replaces arginine, which is basic and polar, with glutamine, which is neutral and polar, at codon 269 of the HMOX1 protein (p.Arg269Gln). This variant is present in population databases (rs143057716, gnomAD 0.02%). This variant has not been reported in the literature in individuals affected with HMOX1-related conditions. Algorithms developed to predict the effect of missense changes on protein structure and function output the following: SIFT: "Tolerated"; PolyPhen-2: "Benign"; Align-GVGD: "Class C0". The glutamine amino acid residue is found in multiple mammalian species, which suggests that this missense change does not adversely affect protein function. In summary, the available evidence is currently insufficient to determine the role of this variant in disease. Therefore, it has been classified as a Variant of Uncertain Significance.

NM_002133.3(HMOX1):c.806G>A (p.Arg269Gln)

Gene: HMOX1 (heme oxygenase 1; plus strand). Cytogenetic location: 22q12.3.
Variant type: single nucleotide variant.
Coding change: c.806G>A on transcript NM_002133.3 (MANE Select); coding-DNA position 806, G replaced by A.
Protein change: p.Arg269Gln; replaces arginine 269 with glutamine.
Molecular consequence: missense variant.
Genome position (GRCh38, 1-based): chr22:35,393,537, G>A. VCF-style: chr22-35393537-G-A. GRCh37 (hg19) VCF-style: chr22-35789530-G-A.
Other names: short protein forms R269Q.
Identifiers: ClinVar variation 1904129 (VCV001904129.2), dbSNP rs143057716, ClinGen allele CA10204846.
Genomic context (GRCh38, chr22:35,393,537, plus strand): 5'-CCGTGGAGACTCCCAGAGGGAAGCCCCCACTCAACACCCGCTCCCAGGCTCCGCTTCTCC[G>A]ATGGGTCCTTACACTCAGCTTTCTGGTGGCGACAGTTGCTGTAGGGCTTTATGCCATGTG-3'
Protein context (NP_002124.1, residues 259-279): LNTRSQAPLL[Arg269Gln]WVLTLSFLVA